The following is an entry in ClinVar:

NM_006412.4(AGPAT2):c.190G>A (p.Gly64Ser)

Gene: AGPAT2 (1-acylglycerol-3-phosphate O-acyltransferase 2; minus strand). Cytogenetic location: 9q34.3.
Variant type: single nucleotide variant.
Coding change: c.190G>A on transcript NM_006412.4 (MANE Select); coding-DNA position 190, G replaced by A.
Protein change: p.Gly64Ser; replaces glycine 64 with serine.
Molecular consequence: missense variant.
Genome position (GRCh38, 1-based): chr9:136,677,549, C>T on the plus strand (G>A on the coding strand, the complement: AGPAT2 is on the minus strand). VCF-style: chr9-136677549-C-T. GRCh37 (hg19) VCF-style: chr9-139572001-C-T.
Other names: c.190G>A, p.Gly64Ser (NM_001012727.2); short protein forms G64S.
Identifiers: ClinVar variation 1337369 (VCV001337369.10), dbSNP rs552941425, ClinGen allele CA5343117.
Genomic context (GRCh38, chr9:136,677,549, plus strand): 5'-GCGGGTCCCGCACCTCGAAGCGGAGCCCGTAAAAGTACTTGAAGCTTCGCACGAACCAGC[C>T]GATGATGCTGCAGGGGAGGCCACCATGAACACGGGTCCCACAGATCCCGCAGCCGAGGCT-3'
Protein context (NP_006403.2, residues 54-74): GRTVENMSII[Gly64Ser]WFVRSFKYFY

ClinVar aggregate classification (germline): Conflicting classifications of pathogenicity. Review status: criteria provided, conflicting classifications (1 of 4 stars). 4 submissions from 4 submitters: Uncertain significance (3); Likely benign (1). Last evaluated 2025-01-27.

Conditions:
Inborn genetic diseases. Identifiers: MedGen C0950123, MeSH D030342.
Congenital generalized lipodystrophy type 1 (CGL1). Also called: Berardinelli-Seip Congenital Lipodystrophy Type 1; BRUNZELL SYNDROME, AGPAT2-RELATED. Identifiers: Orphanet 528, Orphanet 696189, MedGen C1720862, MONDO:0012071, OMIM 608594.

Allele frequency attached by ClinVar (database versions not stated): gnomAD 0.00001; gnomAD exomes 0.00001; ExAC 0.00002; 1000 Genomes Project 0.00020; 1000 Genomes Project 30x 0.00031; TOPMed below 0.00001.

Submissions (4):

Ambry Genetics
Classification: Likely benign for Inborn genetic diseases. Last evaluated: 2025-01-27. Review status: criteria provided, single submitter. Criteria: Ambry Variant Classification Scheme 2023. Collection method: clinical testing. Allele origin: germline.

Labcorp Genetics (formerly Invitae), Labcorp
Classification: Uncertain significance. Last evaluated: 2022-06-08. Review status: criteria provided, single submitter. Criteria: Invitae Variant Classification Sherloc (09022015). Collection method: clinical testing. Allele origin: germline.
Comment: This sequence change replaces glycine, which is neutral and non-polar, with serine, which is neutral and polar, at codon 64 of the AGPAT2 protein (p.Gly64Ser). This variant is present in population databases (rs552941425, gnomAD 0.02%). This variant has not been reported in the literature in individuals affected with AGPAT2-related conditions. ClinVar contains an entry for this variant (Variation ID: 1337369). Algorithms developed to predict the effect of missense changes on protein structure and function output the following: SIFT: "Tolerated"; PolyPhen-2: "Benign"; Align-GVGD: "Class C0". The serine amino acid residue is found in multiple mammalian species, which suggests that this missense change does not adversely affect protein function. In summary, the available evidence is currently insufficient to determine the role of this variant in disease. Therefore, it has been classified as a Variant of Uncertain Significance.

Fulgent Genetics
Classification: Uncertain significance for Congenital generalized lipodystrophy type 1. Last evaluated: 2021-09-23. Review status: criteria provided, single submitter. Criteria: ACMG Guidelines, 2015. Collection method: clinical testing. Allele origin: unknown.

Genetic Services Laboratory, University of Chicago
Classification: Uncertain significance. Last evaluated: 2019-09-11. Review status: criteria provided, single submitter. Criteria: ACMG Guidelines, 2015. Collection method: clinical testing. Allele origin: germline. Affected: no.